The following is an entry in ClinVar:

NM_015338.6(ASXL1):c.4112A>C (p.Lys1371Thr)

Gene: ASXL1 (ASXL transcriptional regulator 1; plus strand). Cytogenetic location: 20q11.21.
Variant type: single nucleotide variant.
Coding change: c.4112A>C on transcript NM_015338.6 (MANE Select); coding-DNA position 4112, A replaced by C.
Protein change: p.Lys1371Thr; replaces lysine 1371 with threonine.
Molecular consequence: missense variant.
Genome position (GRCh38, 1-based): chr20:32,436,824, A>C. VCF-style: chr20-32436824-A-C. GRCh37 (hg19) VCF-style: chr20-31024627-A-C.
Other names: c.3929A>C, p.Lys1310Thr (NM_001363734.1); short protein forms K1310T, K1371T.
Identifiers: ClinVar variation 5029678 (VCV005029678.1).

ClinVar aggregate classification (germline): Uncertain significance (1 of 4 stars; one submission).

Conditions:
Inborn genetic diseases. Identifiers: MedGen C0950123, MeSH D030342.

Submission:

Ambry Genetics
Classification: Uncertain significance for Inborn genetic diseases. Last evaluated: 2026-06-15. Review status: criteria provided, single submitter. Criteria: Ambry Variant Classification Scheme 2023. Collection method: clinical testing. Allele origin: germline.
Comment: The p.K1371T variant (also known as c.4112A>C), located in coding exon 13 of the ASXL1 gene, results from an A to C substitution at nucleotide position 4112. The lysine at codon 1371 is replaced by threonine, an amino acid with similar properties. This amino acid position is conserved. In addition, this alteration is predicted to be tolerated by in silico analysis. Based on the available evidence, the clinical significance of this variant remains unclear.